The following is an entry in ClinVar:

NM_005142.3(CBLIF):c.334A>C (p.Ile112Leu)

Gene: CBLIF (cobalamin binding intrinsic factor; minus strand). Cytogenetic location: 11q12.1.
Variant type: single nucleotide variant.
Coding change: c.334A>C on transcript NM_005142.3 (MANE Select); coding-DNA position 334, A replaced by C.
Protein change: p.Ile112Leu; replaces isoleucine 112 with leucine.
Molecular consequence: missense variant.
Genome position (GRCh38, 1-based): chr11:59,843,064, T>G on the plus strand (A>C on the coding strand, the complement: CBLIF is on the minus strand). VCF-style: chr11-59843064-T-G. GRCh37 (hg19) VCF-style: chr11-59610537-T-G.
Other names: short protein forms I112L.
Identifiers: ClinVar variation 1983064 (VCV001983064.2), dbSNP rs756282016, ClinGen allele CA6021607.

ClinVar aggregate classification (germline): Uncertain significance (1 of 4 stars; one submission).

Conditions:
Hereditary intrinsic factor deficiency (IFD). Also called: PERNICIOUS ANEMIA, CONGENITAL, DUE TO DEFECT OF INTRINSIC FACTOR; Congenital intrinsic factor deficiency. Identifiers: Orphanet 332, MedGen C2062370, MONDO:0009852, OMIM 261000.

Allele frequency attached by ClinVar (database versions not stated): gnomAD exomes below 0.00001; TOPMed below 0.00001; ExAC 0.00002.
gnomAD v4.1: 3 of 1,613,182 alleles (0.00019%); highest among the groups gnomAD compares: Admixed American, 0.005%; no homozygotes.

Submission:

Labcorp Genetics (formerly Invitae), Labcorp
Classification: Uncertain significance for Hereditary intrinsic factor deficiency. Last evaluated: 2022-07-19. Review status: criteria provided, single submitter. Criteria: Invitae Variant Classification Sherloc (09022015). Collection method: clinical testing. Allele origin: germline.
Comment: Algorithms developed to predict the effect of missense changes on protein structure and function output the following: SIFT: "Tolerated"; PolyPhen-2: "Benign"; Align-GVGD: "Class C0". The leucine amino acid residue is found in multiple mammalian species, which suggests that this missense change does not adversely affect protein function. In summary, the available evidence is currently insufficient to determine the role of this variant in disease. Therefore, it has been classified as a Variant of Uncertain Significance. This variant has not been reported in the literature in individuals affected with GIF-related conditions. This variant is present in population databases (rs756282016, gnomAD 0.003%). This sequence change replaces isoleucine, which is neutral and non-polar, with leucine, which is neutral and non-polar, at codon 112 of the GIF protein (p.Ile112Leu).